The following is an entry in ClinVar:

ClinVar aggregate classification (germline): Pathogenic (1 of 4 stars; one submission).

Conditions:
T-cell immunodeficiency, congenital alopecia, and nail dystrophy. Also called: Congenital alopecia and nail dystrophy associated with severe functional T-cell immunodeficiency; Pignata Guarino syndrome. Identifiers: Orphanet 169095, MedGen C1866426, MONDO:0011132, OMIM 601705.

Submission:

Labcorp Genetics (formerly Invitae), Labcorp
Classification: Pathogenic for T-cell immunodeficiency, congenital alopecia, and nail dystrophy. Last evaluated: 2026-01-27. Review status: criteria provided, single submitter. Criteria: Invitae Variant Classification Sherloc (09022015). Collection method: clinical testing. Allele origin: germline.
Comment: This sequence change creates a premature translational stop signal (p.Arg341Alafs*209) in the FOXN1 gene. While this is not anticipated to result in nonsense mediated decay, it is expected to disrupt the last 308 amino acid(s) of the FOXN1 protein. This variant is present in population databases (rs762643472, gnomAD 0.0009%). This variant has not been reported in the literature in individuals affected with FOXN1-related conditions. ClinVar contains an entry for this variant (Variation ID: 2087766). This variant disrupts a region of the FOXN1 protein in which other variant(s) (p.Gln489Argfs*61) have been determined to be pathogenic (PMID: 31566583). This suggests that this is a clinically significant region of the protein, and that variants that disrupt it are likely to be disease-causing. For these reasons, this variant has been classified as Pathogenic.

Literature cited by the submitters: PubMed 31566583.

NM_001369369.1(FOXN1):c.1021del (p.Arg341fs)

Gene: FOXN1 (forkhead box N1; plus strand). Cytogenetic location: 17q11.2.
Variant type: Deletion.
Coding change: c.1021del on transcript NM_001369369.1 (MANE Select); coding-DNA position 1021, one base deleted (C; older notation c.1021delC).
Protein change: p.Arg341fs; shifts the reading frame from arginine 341.
Molecular consequence: frameshift variant.
Genome position (GRCh38, 1-based): chr17:28,534,424, C deleted; the last of 3 consecutive C bases (chr17:28,534,422-28,534,424); deleting any one gives the same sequence. VCF-style (leftmost placement, unchanged base first): chr17-28534421-TC-T. GRCh37 (hg19) VCF-style: chr17-26861439-TC-T.
Other names: c.1021del, p.Arg341fs (NM_003593.3); short protein forms R341fs.
Identifiers: ClinVar variation 2087766 (VCV002087766.4), dbSNP rs762643472, ClinGen allele CA8459419.